The following is an entry in ClinVar:

ClinVar aggregate classification (germline): Uncertain significance (1 of 4 stars; one submission).

Allele frequency attached by ClinVar (database versions not stated): gnomAD exomes below 0.00001; TOPMed below 0.00001.
gnomAD v4.1: 1 of 1,614,168 alleles (0.000062%); highest among the groups gnomAD compares: African/African-American, 0.0013%; no homozygotes.

Submission:

GeneDx
Classification: Uncertain significance. Last evaluated: 2026-09-25. Review status: criteria provided, single submitter. Criteria: GeneDx Variant Classification Process June 2021. Collection method: clinical testing. Allele origin: germline.
Comment: Not observed at significant frequency in large population cohorts (gnomAD); In silico analysis supports that this missense variant has a deleterious effect on protein structure/function; Has not been previously published as pathogenic or benign to our knowledge

NM_134261.3(RORA):c.1022T>C (p.Ile341Thr)

Genes: RORA (RAR related orphan receptor A; minus strand), RORA-AS1 (RORA antisense RNA 1; plus strand). Cytogenetic location: 15q22.2.
Variant type: single nucleotide variant.
Coding change: c.1022T>C on transcript NM_134261.3 (MANE Select); coding-DNA position 1022, T replaced by C.
Protein change: p.Ile341Thr; replaces isoleucine 341 with threonine.
Molecular consequence: missense variant.
Genome position (GRCh38, 1-based): chr15:60,503,588, A>G on the plus strand (T>C on the coding strand, the complement: RORA is on the minus strand). VCF-style: chr15-60503588-A-G. GRCh37 (hg19) VCF-style: chr15-60795787-A-G.
Other names: c.1097T>C, p.Ile366Thr (NM_002943.4); c.1121T>C, p.Ile374Thr (NM_134260.3); c.857T>C, p.Ile286Thr (NM_134262.3); short protein forms I286T, I366T, I341T, I374T.
Identifiers: ClinVar variation 1810617 (VCV001810617.2), dbSNP rs1207390590, ClinGen allele CA392668631.